The following is an entry in ClinVar:

NM_001271.4(CHD2):c.4859C>G (p.Pro1620Arg)

Gene: CHD2 (chromodomain helicase DNA binding protein 2; plus strand). Cytogenetic location: 15q26.1.
Variant type: single nucleotide variant.
Coding change: c.4859C>G on transcript NM_001271.4 (MANE Select); coding-DNA position 4859, C replaced by G.
Protein change: p.Pro1620Arg; replaces proline 1620 with arginine.
Molecular consequence: missense variant.
Genome position (GRCh38, 1-based): chr15:93,014,862, C>G. VCF-style: chr15-93014862-C-G. GRCh37 (hg19) VCF-style: chr15-93558092-C-G.
Other names: c.4859C>G (NM_001271.3); short protein forms P1620R.
Identifiers: ClinVar variation 2821770 (VCV002821770.4), dbSNP rs2505630010, ClinGen allele CA393906848.

ClinVar aggregate classification (germline): Uncertain significance. Review status: criteria provided, multiple submitters, no conflicts (2 of 4 stars). 2 submissions from 2 submitters: Uncertain significance (2). Last evaluated 2023-06-14.

Conditions:
Developmental and epileptic encephalopathy 94 (DEE94). Also called: CHD2-Related Neurodevelopmental Disorders; Epileptic encephalopathy, childhood-onset. Identifiers: Orphanet 1942, Orphanet 2382, MedGen C3809278, MONDO:0014150, OMIM 615369.

Allele frequency attached by ClinVar (database versions not stated): gnomAD exomes below 0.00001.
gnomAD v4.1: 1 of 1,614,142 alleles (0.000062%); highest among the groups gnomAD compares: Non-Finnish European, 0.000085%; no homozygotes.

Submissions (2):

GeneDx
Classification: Uncertain significance. Last evaluated: 2023-06-14. Review status: criteria provided, single submitter. Criteria: GeneDx Variant Classification Process June 2021. Collection method: clinical testing. Allele origin: germline. Affected: yes.
Comment: Has not been previously published as pathogenic or benign to our knowledge; In silico analysis supports that this missense variant does not alter protein structure/function; Not observed at significant frequency in large population cohorts (gnomAD)

Labcorp Genetics (formerly Invitae), Labcorp
Classification: Uncertain significance for Developmental and epileptic encephalopathy 94. Last evaluated: 2022-12-17. Review status: criteria provided, single submitter. Criteria: Invitae Variant Classification Sherloc (09022015). Collection method: clinical testing. Allele origin: germline.
Comment: This variant has not been reported in the literature in individuals affected with CHD2-related conditions. This sequence change replaces proline, which is neutral and non-polar, with arginine, which is basic and polar, at codon 1620 of the CHD2 protein (p.Pro1620Arg). This variant is not present in population databases (gnomAD no frequency). Advanced modeling of protein sequence and biophysical properties (such as structural, functional, and spatial information, amino acid conservation, physicochemical variation, residue mobility, and thermodynamic stability) performed at Invitae indicates that this missense variant is not expected to disrupt CHD2 protein function. In summary, the available evidence is currently insufficient to determine the role of this variant in disease. Therefore, it has been classified as a Variant of Uncertain Significance.